The following is an entry in ClinVar:

NM_006940.6(SOX5):c.943C>G (p.Pro315Ala)

Gene: SOX5 (SRY-box transcription factor 5; minus strand). Cytogenetic location: 12p12.1.
Variant type: single nucleotide variant.
Coding change: c.943C>G on transcript NM_006940.6 (MANE Select); coding-DNA position 943, C replaced by G.
Protein change: p.Pro315Ala; replaces proline 315 with alanine.
Molecular consequence: missense variant.
Genome position (GRCh38, 1-based): chr12:23,640,886, G>C on the plus strand (C>G on the coding strand, the complement: SOX5 is on the minus strand). VCF-style: chr12-23640886-G-C. GRCh37 (hg19) VCF-style: chr12-23793820-G-C.
Other names: c.904C>G, p.Pro302Ala (NM_001261414.3, NM_152989.5); c.913C>G, p.Pro305Ala (NM_001261415.3); c.838C>G, p.Pro280Ala (NM_001330785.2); short protein forms P280A, P302A, P305A, P315A.
Identifiers: ClinVar variation 4756025 (VCV004756025.1).

ClinVar aggregate classification (germline): Uncertain significance (1 of 4 stars; one submission).

gnomAD v4.1: 1 of 1,612,804 alleles (0.000062%); highest among the groups gnomAD compares: Admixed American, 0.0017%; no homozygotes.

Submission:

GeneDx
Classification: Uncertain significance. Last evaluated: 2025-08-02. Review status: criteria provided, single submitter. Criteria: GeneDx Variant Classification Process June 2021. Collection method: clinical testing. Allele origin: germline. Affected: yes.
Comment: Not observed at significant frequency in large population cohorts (gnomAD); In silico analysis supports that this missense variant has a deleterious effect on protein structure/function; Has not been previously published as pathogenic or benign to our knowledge